The following is an entry in ClinVar:

NM_014874.4(MFN2):c.1728C>T (p.Pro576=)

Gene: MFN2 (mitofusin 2; plus strand). Cytogenetic location: 1p36.22.
Variant type: single nucleotide variant.
Coding change: c.1728C>T on transcript NM_014874.4 (MANE Select); coding-DNA position 1728, C replaced by T.
Protein change: p.Pro576=; no amino-acid change (proline 576 retained).
Molecular consequence: synonymous variant.
Genome position (GRCh38, 1-based): chr1:12,006,549, C>T. VCF-style: chr1-12006549-C-T. GRCh37 (hg19) VCF-style: chr1-12066606-C-T.
Other names: p.Pro576=; c.1728C>T, p.Pro576= (NM_001127660.2).
Identifiers: ClinVar variation 516493 (VCV000516493.17), dbSNP rs147802404, ClinGen allele CA599214.

ClinVar aggregate classification (germline): Benign/Likely benign. Review status: criteria provided, multiple submitters, no conflicts (2 of 4 stars). 6 submissions from 6 submitters: Benign (2); Likely benign (4). Last evaluated 2026-01-26.

Conditions:
Inborn genetic diseases. Identifiers: MedGen C0950123, MeSH D030342.
Charcot-Marie-Tooth disease type 2. Also called: Charcot-Marie-Tooth type 2. Identifiers: Orphanet 64746, MedGen C0270914, MONDO:0018993.

Allele frequency attached by ClinVar (database versions not stated): gnomAD exomes 0.00003 and 0.00010; ExAC 0.00011; 1000 Genomes Project 0.00020; ESP Exome Variant Server 0.00023; 1000 Genomes Project 30x 0.00031; gnomAD 0.00034 and 0.00036; TOPMed 0.00039.
gnomAD v4.1: 96 of 1,614,220 alleles (0.0059%); highest among the groups gnomAD compares: African/African-American, 0.12%; 1 homozygote.

Submissions (6):

Labcorp Genetics (formerly Invitae), Labcorp
Classification: Benign for Charcot-Marie-Tooth disease type 2. Last evaluated: 2026-01-26. Review status: criteria provided, single submitter. Criteria: Invitae Variant Classification Sherloc (09022015). Collection method: clinical testing. Allele origin: germline.

Mayo Clinic Laboratories, Mayo Clinic
Classification: Likely benign. Last evaluated: 2025-09-11. Review status: criteria provided, single submitter. Criteria: ACMG Guidelines, 2015. Collection method: clinical testing. Allele origin: germline. Observed: 1 variant allele.
Comment: BS1, BP4, BP7

Athena Diagnostics
Classification: Benign. Last evaluated: 2025-06-05. Review status: criteria provided, single submitter. Criteria: Athena Diagnostics Criteria. Collection method: clinical testing. Allele origin: unknown.
Comment: The frequency of this variant in the general population is higher than would generally be expected for pathogenic variants in this gene. Computational tools yielded predictions that this variant is unlikely to have an effect on normal RNA splicing. This nucleotide position exhibits low evolutionary conservation. This variant has been seen where an alternate explanation for disease was also identified.

Blueprint Genetics
Classification: Likely benign. Last evaluated: 2024-10-14. Review status: criteria provided, single submitter. Criteria: ACMG Guidelines, 2015. Collection method: clinical testing. Allele origin: germline.

Ambry Genetics
Classification: Likely benign for Inborn genetic diseases. Last evaluated: 2019-07-11. Review status: criteria provided, single submitter. Criteria: Ambry Variant Classification Scheme 2023. Collection method: clinical testing. Allele origin: germline.

GeneDx
Classification: Likely benign. Last evaluated: 2017-04-19. Review status: criteria provided, single submitter. Criteria: GeneDx Variant Classification (06012015). Collection method: clinical testing. Allele origin: germline. Affected: yes.
Comment: This variant is considered likely benign or benign based on one or more of the following criteria: it is a conservative change, it occurs at a poorly conserved position in the protein, it is predicted to be benign by multiple in silico algorithms, and/or has population frequency not consistent with disease.